The following is an entry in ClinVar:

NM_004667.6(HERC2):c.13966G>T (p.Val4656Phe)

Gene: HERC2 (HECT and RLD domain containing E3 ubiquitin protein ligase 2; minus strand). Cytogenetic location: 15q13.1.
Variant type: single nucleotide variant.
Coding change: c.13966G>T on transcript NM_004667.6 (MANE Select); coding-DNA position 13966, G replaced by T.
Protein change: p.Val4656Phe; replaces valine 4656 with phenylalanine.
Molecular consequence: missense variant.
Genome position (GRCh38, 1-based): chr15:28,113,626, C>A on the plus strand (G>T on the coding strand, the complement: HERC2 is on the minus strand). VCF-style: chr15-28113626-C-A. GRCh37 (hg19) VCF-style: chr15-28358772-C-A.
Other names: short protein forms V4656F.
Identifiers: ClinVar variation 3902868 (VCV003902868.1).

ClinVar aggregate classification (germline): Uncertain significance (1 of 4 stars; one submission).

gnomAD v4.1: 1 of 1,614,202 alleles (0.000062%); highest among the groups gnomAD compares: Non-Finnish European, 0.000085%; no homozygotes.

Submission:

GeneDx
Classification: Uncertain significance. Last evaluated: 2024-12-11. Review status: criteria provided, single submitter. Criteria: GeneDx Variant Classification Process June 2021. Collection method: clinical testing. Allele origin: germline. Affected: yes.
Comment: Not observed at significant frequency in large population cohorts (gnomAD); In silico analysis supports that this missense variant has a deleterious effect on protein structure/function; Has not been previously published as pathogenic or benign to our knowledge